The following is an entry in ClinVar:

NM_007294.4(BRCA1):c.4253dup (p.Leu1418fs)

Gene: BRCA1 (BRCA1 DNA repair associated; minus strand). Cytogenetic location: 17q21.31.
Variant type: Duplication.
Coding change: c.4253dup on transcript NM_007294.4 (MANE Select); coding-DNA position 4253, one base duplicated (T; older notation c.4253dupT).
Protein change: p.Leu1418fs; shifts the reading frame from leucine 1418.
Molecular consequence: frameshift variant. On other transcripts: non-coding transcript variant (1).
Genome position (GRCh38, 1-based): chr17:43,082,508, A duplicated on the plus strand (T on the coding strand, the reverse complement: BRCA1 is on the minus strand); the first of 2 consecutive A bases (chr17:43,082,508-43,082,509); duplicating either gives the same sequence. VCF-style (leftmost placement, unchanged base first): chr17-43082507-T-TA. GRCh37 (hg19) VCF-style: chr17-41234524-T-TA.
Other names: c.4048dup, p.Leu1350Phefs (NM_001407875.1, NM_001407874.1); c.4042dup, p.Leu1348Phefs (NM_001407879.1, NM_001407881.1, NM_001407882.1 and 9 more transcripts); c.4039dup, p.Leu1347Phefs (NM_001407894.1, NM_001407895.1, NM_001407896.1 and 12 more transcripts); c.3988dup, p.Leu1330Phefs (NM_001407922.1, NM_001407923.1, NM_001407924.1 and 7 more transcripts); c.3985dup, p.Leu1329Phefs (NM_001407930.1, NM_001407931.1, NM_001407932.1 and 3 more transcripts); c.4036dup, p.Leu1346Phefs (NM_001407915.1); c.4129dup, p.Leu1377Phefs (NM_001407919.1, NM_001407648.1, NM_001407664.1 and 13 more transcripts); c.4252dup, p.Leu1418Phefs (NM_001407581.1, NM_001407582.1, NM_001407583.1 and 22 more transcripts); and 54 more; short protein forms L1418fs, L1371fs, L315fs.
Identifiers: ClinVar variation 2026298 (VCV002026298.4), dbSNP rs2154155295, ClinGen allele CA2580093808.
Genomic context (GRCh38, chr17:43,082,507, plus strand): 5'-GGCAGAAGAGTCACTTATGATGGAAGGGTAGCTGTTAGAAGGCTGGCTCCCATGCTGTTC[T>TA]AACACAGCTTCTAGTTCAGCCATTTCCTGCTGGAGCTTTATCAGGTTATGTTGCATGGTA-3'

ClinVar aggregate classification (germline): Pathogenic (1 of 4 stars; one submission).

Conditions:
Hereditary breast ovarian cancer syndrome. Also called: BRCA1- and BRCA2-Associated Hereditary Breast and Ovarian Cancer; Hereditary breast and ovarian cancer; Hereditary breast and ovarian cancer syndrome (HBOC); Breast and ovarian cancer; Hereditary breast and ovarian cancer syndrome; Hereditary breast and/or ovarian cancer syndrome. Identifiers: Orphanet 145, MedGen C0677776, MeSH D061325, MONDO:0003582. Disease mechanism: loss of function.

Submission:

Labcorp Genetics (formerly Invitae), Labcorp
Classification: Pathogenic for Hereditary breast ovarian cancer syndrome. Last evaluated: 2022-08-22. Review status: criteria provided, single submitter. Criteria: Invitae Variant Classification Sherloc (09022015). Collection method: clinical testing. Allele origin: germline.
Comment: For these reasons, this variant has been classified as Pathogenic. This variant has not been reported in the literature in individuals affected with BRCA1-related conditions. This variant is not present in population databases (gnomAD no frequency). This sequence change creates a premature translational stop signal (p.Leu1418Phefs*10) in the BRCA1 gene. It is expected to result in an absent or disrupted protein product. Loss-of-function variants in BRCA1 are known to be pathogenic (PMID: 20104584).

Literature cited by the submitters: PubMed 20104584.